The following is an entry in ClinVar:

NM_005869.4(CWC27):c.938+3356A>G

Gene: CWC27 (CWC27 spliceosome associated cyclophilin; plus strand). Cytogenetic location: 5q12.3.
Variant type: single nucleotide variant.
Coding change: c.938+3356A>G on transcript NM_005869.4 (MANE Select); 3356 bases into the intron after coding-DNA position 938, A replaced by G.
Molecular consequence: intron variant. On other transcripts: missense variant (1).
Genome position (GRCh38, 1-based): chr5:64,807,742, A>G. VCF-style: chr5-64807742-A-G. GRCh37 (hg19) VCF-style: chr5-64103569-A-G.
Other names: c.1082A>G, p.Asn361Ser (NM_001297645.2); c.938+3356A>G (NM_001297644.1, NM_001364478.1, NM_001318000.2); c.1082A>G (NM_001297645.1); short protein forms N361S.
Identifiers: ClinVar variation 4970574 (VCV004970574.2).

ClinVar aggregate classification (germline): Uncertain significance. Review status: criteria provided, multiple submitters, no conflicts (2 of 4 stars). 2 submissions from 2 submitters: Uncertain significance (2). Last evaluated 2026-04-06.

Conditions:
CWC27-related disorder. Also called: CWC27-related condition.

gnomAD v4.1: 214 of 1,535,832 alleles (0.014%); highest among the groups gnomAD compares: South Asian, 0.03%; no homozygotes.

Submissions (2):

PreventionGenetics, part of Exact Sciences
Classification: Uncertain significance for CWC27-related condition. Last evaluated: 2026-04-06. Review status: criteria provided, single submitter. Criteria: ACMG Guidelines, 2015. Collection method: clinical testing. Allele origin: germline.
Comment: The CWC27 c.1082A>G variant is predicted to result in the amino acid substitution p.Asn361Ser. To our knowledge, this variant has not been reported in the literature. This variant is present in 0.022% of alleles in individuals of South Asian descent in gnomAD. At this time, the clinical significance of this variant is uncertain due to the absence of conclusive functional and genetic evidence.

Blueprint Genetics
Classification: Uncertain significance. Last evaluated: 2024-11-18. Review status: criteria provided, single submitter. Criteria: ACMG Guidelines, 2015. Collection method: clinical testing. Allele origin: germline.